The following continues an entry in ClinVar:

NM_000551.4(VHL):c.598C>T (p.Arg200Trp)

ClinVar aggregate classification (germline): Benign. Benign (1).

Submissions 6 to 16 of 34:

NHS Central & South Genomic Laboratory Hub
Classification: Pathogenic for Inherited phaeochromocytoma and paraganglioma excluding NF1. Last evaluated: 2025-10-21. Review status: criteria provided, single submitter. Criteria: ACMG Guidelines, 2015. Collection method: clinical testing. Allele origin: germline. Affected: yes. Not counted in ClinVar's aggregate classification.

Dasa
Classification: Pathogenic. Last evaluated: 2025-08-27. Review status: criteria provided, single submitter. Criteria: DASA Assertion Criteria. Collection method: clinical testing. Allele origin: germline. Not counted in ClinVar's aggregate classification.
Comment: NM_000551.4(VHL):c.598C>T (p.Arg200Trp) is a missense variant that results in the substitution of arginine with tryptophan. Segregation evidence has been reported in affected families. Functional evidence supports a deleterious effect on the gene or gene product (PMID: 11987242; PMID: 19494350; PMID: 16210343; PMID: 8956040; PMID: 14726398). This variant has been recurrently observed in individuals with related phenotype (PMID: 11987242; PMID: 19494350; PMID: 16210343; PMID: 8956040; PMID: 14726398). Multiple computational predictions support a deleterious effect on the gene or gene product. Based on the available data, this variant is classified as pathogenic.

CeGaT Center for Human Genetics Tuebingen
Classification: Pathogenic. Last evaluated: 2025-08-01. Review status: criteria provided, single submitter. Criteria: CeGaT Center For Human Genetics Tuebingen Variant Classification Criteria Version 2. Collection method: clinical testing. Allele origin: germline. Affected: yes. Observed: 1 variant allele. Not counted in ClinVar's aggregate classification.
Comment: VHL: PP1:Strong, PS3, PS4, PM1

Institute for Genomic Medicine (IGM) Clinical Laboratory, Nationwide Children's Hospital
Classification: Uncertain significance for Von Hippel-Lindau syndrome. Last evaluated: 2025-05-19. Review status: criteria provided, single submitter. Criteria: ACMG Guidelines, 2015. Collection method: clinical testing. Allele origin: germline. Not counted in ClinVar's aggregate classification.
Comment: This variant has been reported at an elevated frequency in affected individuals/in multiple affected individuals in the literature (ACMG/AMP: PS4).

Greenwood Genetic Center Diagnostic Laboratories, Greenwood Genetic Center
Classification: Pathogenic for VHL-related disorder. Last evaluated: 2025-04-28. Review status: criteria provided, single submitter. Criteria: ACMG Guidelines, 2015. Collection method: clinical testing. Allele origin: germline. Affected: yes. Not counted in ClinVar's aggregate classification.
Comment: PS3, PM3, PP3, PP1_Strong

Mayo Clinic Laboratories, Mayo Clinic
Classification: Pathogenic. Last evaluated: 2025-04-17. Review status: criteria provided, single submitter. Criteria: ACMG Guidelines, 2015. Collection method: clinical testing. Allele origin: germline. Observed: 2 variant alleles. Not counted in ClinVar's aggregate classification.

Ambry Genetics
Classification: Pathogenic for Hereditary cancer-predisposing syndrome. Last evaluated: 2025-03-31. Review status: criteria provided, single submitter. Criteria: Ambry Variant Classification Scheme 2023. Collection method: clinical testing. Allele origin: germline. Not counted in ClinVar's aggregate classification.
Comment: The p.R200W pathogenic mutation (also known as c.598C>T), located in coding exon 3 of the VHL gene, results from a C to T substitution at nucleotide position 598. The arginine at codon 200 is replaced by tryptophan, an amino acid with dissimilar properties. The p.R200W alteration has been established as a founder mutation known to cause autosomal recessive Chuvash polycythemia, a condition characterized by increased red blood cell mass and high risk of peripheral thrombosis and cerebrovascular events (Ang SO et al. Nat. Genet. 2002 Dec;32:614-21; Liu E et al. Blood. 2004 Mar;103:1937-40; Gordeuk VR et al. Blood. 2004 May;103:3924-32; Tomasic NL et al. Haematologica. 2013 Apr;98(4):560-7). Functional studies on this alteration have yielded varying results on different aspects of VHL function linked to tumor formation or erythropoeisis, such as increased angiogenesis and increased hypoxia-inducible factor (HIF1a and HIF2a) expression, but retention of interaction with Elongin C (Ang SO et al. Nat. Genet. 2002 Dec;32:614-21; Rathmell WK et al. Cancer Res. 2004 Dec;64:8595-603; Hickey MM et al. J. Clin. Invest. 2007 Dec;117:3879-89; Hacker KE et al. PLoS ONE. 2008 Nov;3:e3801; Gordeuk VR et al. Blood. 2011 Nov;118:5278-82; Couv&eacute; S et al. Cancer Res. 2014 Nov;74:6554-64). Although two unrelated individuals with isolated hemangioblastoma have been reported as p.R200W heterozygotes, the vast majority of carriers are not affected with von Hippel Lindau (VHL) lesions (Pastore Y et al. Am. J. Hum. Genet. 2003 Aug;73:412-9; Woodward ER et al. Brain. 2007 Mar;130(Pt 3):836-42). In addition, one family with a clinical diagnosis of VHL was initially reported as being heterozygous for p.R200W (Olschwang S et al. Hum. Mutat. 1998;12:424-30); however, further studies of this family found that they actually carried two VHL alterations in cis (p.R200W and p.R161Q) (Couv&eacute; S et al. Cancer Res. 2014 Nov;74:6554-64). By evaluating structural stability in areas of domain interaction, pVHL-HIF1a binding ability, and expression gradients of genes regulated by VHL, the authors were able to demonstrate that the impact of the double mutant allele was more disruptive to structural and functional roles of VHL than the impact of either alteration alone. They proposed that the p.R200W alteration was not sufficient in causing classic VHL disease. This amino acid position is highly conserved in available vertebrate species. In addition, this alteration is predicted to be deleterious by in silico analysis. Based on the available evidence, p.R200W is interpreted as a disease-causing mutation. At this time, individuals who are heterozygous for the p.R200W alteration can be interpreted as carriers for Chuvash polycythemia; however, it is unlikely that this alteration causes von Hippel Lindau disease.

GeneDx
Classification: Pathogenic. Last evaluated: 2025-02-11. Review status: criteria provided, single submitter. Criteria: GeneDx Variant Classification Process June 2021. Collection method: clinical testing. Allele origin: germline. Affected: yes. Not counted in ClinVar's aggregate classification.
Comment: Published functional studies demonstrate a damaging effect: mice homozygous for variant showed similar phenotype to patients homozygous for the variant (PMID: 17992257); In silico analysis supports that this missense variant has a deleterious effect on protein structure/function; While this variant is considered pathogenic for autosomal recessive Chuvash polycythemia, there is no evidence that it causes increased risk for von Hippel Lindau disease (PMID: 12393546, 12844285, 17264095, 21606165); This variant is associated with the following publications: (PMID: 27568332, 15574766, 25637381, 21876117, 21993671, 27518686, 11987242, 29489754, 33033909, 31132167, 35220195, 19030229, 23015148, 18836774, 24728327, 8956040, 25371412, 12415268, 21606165, 23403324, 9829912, 27651169, 12844285, 12393546, 14726398, 28400504, 28104701, 26556299, 29741264, 29790589, 16210343, 19494350, 31568062, 12702509, 32191290, 30787465, 35142155, 34308104, 35767051, 17264095, 17992257, 38390862, 37317877, 37553354, 37833987, 36744932, 37946251, 37372416, 38201513)

First Genomix Gene Laboratory, Genetic Diagnostics Department
Classification: Pathogenic for Chuvash polycythemia. Last evaluated: 2025-01-11. Review status: criteria provided, single submitter. Criteria: ACMG Guidelines, 2015. Collection method: clinical testing. Allele origin: germline. Inheritance: Autosomal recessive inheritance. Affected: no. Observed: 1 variant allele. Not counted in ClinVar's aggregate classification.

Quest Diagnostics Nichols Institute San Juan Capistrano
Classification: Uncertain significance. Last evaluated: 2024-11-25. Review status: criteria provided, single submitter. Criteria: Quest Diagnostics criteria. Collection method: clinical testing. Allele origin: unknown. Not counted in ClinVar's aggregate classification.
Comment: The VHL c.598C>T (p.Arg200Trp) variant has been reported to cause the autosomal recessive disorder known as Chuvash polycythemia, however, most studies indicate that this variant is not associated with an increased risk for classic von Hippel-Lindau syndrome associated tumors (PMIDs: 12415268 (2002), 14726398 (2004), and 21606165 (2011)). Functional evidence suggests that this variant (known in the literature as R200W) may impact protein function and impair the hypoxia response pathway thus providing an underlying mechanistic basis for Chuvash polycythemia in homozygous individuals (PMIDs: 12415268 (2002), 17992257 (2007), and 19030229 (2008)). The frequency of this variant in the general population, 0.00065 (20/30604 chromosomes in South Asian subpopulation (Genome Aggregation Database)), is higher than would generally be expected for pathogenic variants in this gene. Analysis of this variant using bioinformatics tools for the prediction of the effect of amino acid changes on protein structure and function yielded predictions that this variant is damaging. Based on the available information, we are unable to determine the clinical significance of this variant.

Blueprint Genetics
Classification: Pathogenic for VHL-related disorders. Last evaluated: 2024-10-17. Review status: criteria provided, single submitter. Criteria: ACMG Guidelines, 2015. Collection method: clinical testing. Allele origin: germline. Affected: yes. Observed: 5 variant alleles. Not counted in ClinVar's aggregate classification.